The following is an entry in ClinVar:

ClinVar aggregate classification (germline): Likely benign. Review status: criteria provided, multiple submitters, no conflicts (2 of 4 stars). 3 submissions from 3 submitters: Likely benign (3). Last evaluated 2026-01-07.

Conditions:
Epidermolysis bullosa, junctional 6, with pyloric atresia. Also called: ITGA6-Related Epidermolysis Bullosa with Pyloric Atresia. Identifiers: MedGen C5676957, MONDO:0859233, OMIM 619817.
ITGA6-related disorder. Also called: ITGA6-related condition.

Allele frequency attached by ClinVar (database versions not stated): gnomAD 0.00005 and 0.00006; gnomAD exomes 0.00005 and 0.00025; ESP Exome Variant Server 0.00008; TOPMed 0.00014; ExAC 0.00022.
gnomAD v4.1: 83 of 1,614,126 alleles (0.0051%); highest among the groups gnomAD compares: Admixed American, 0.13%; no homozygotes.

Submissions (3):

Labcorp Genetics (formerly Invitae), Labcorp
Classification: Likely benign. Last evaluated: 2026-01-07. Review status: criteria provided, single submitter. Criteria: Invitae Variant Classification Sherloc (09022015). Collection method: clinical testing. Allele origin: germline.

PreventionGenetics, part of Exact Sciences
Classification: Likely benign for ITGA6-related condition. Last evaluated: 2025-11-10. Review status: criteria provided, single submitter. Criteria: ACMG Guidelines, 2015. Collection method: clinical testing. Allele origin: germline.
Comment: This variant is classified as likely benign based on ACMG/AMP sequence variant interpretation guidelines (Richards et al. 2015 PMID: 25741868, with internal and published modifications).

Fulgent Genetics
Classification: Likely benign for Epidermolysis bullosa, junctional 6, with pyloric atresia. Last evaluated: 2021-11-17. Review status: criteria provided, single submitter. Criteria: ACMG Guidelines, 2015. Collection method: clinical testing. Allele origin: unknown.

NM_000210.4(ITGA6):c.729T>C (p.Thr243=)

Genes: ITGA6 (integrin subunit alpha 6; plus strand), PDK1-AS1 (PDK1 and ITGA6 antisense RNA 1; minus strand). Cytogenetic location: 2q31.1.
Variant type: single nucleotide variant.
Coding change: c.729T>C on transcript NM_000210.4 (MANE Select); coding-DNA position 729, T replaced by C.
Protein change: p.Thr243=; no amino-acid change (threonine 243 retained).
Molecular consequence: synonymous variant. On other transcripts: intron variant (1).
Genome position (GRCh38, 1-based): chr2:172,471,059, T>C. VCF-style: chr2-172471059-T-C. GRCh37 (hg19) VCF-style: chr2-173335787-T-C.
Other names: c.729T>C, p.Thr243= (NM_001079818.3, NM_001365529.2, NM_001365530.2); c.301+1679T>C (NM_001316306.2).
Identifiers: ClinVar variation 727885 (VCV000727885.10), dbSNP rs369279630, ClinGen allele CA1967890.